The following is an entry in ClinVar:

ClinVar aggregate classification (germline): Uncertain significance (1 of 4 stars; one submission).

Allele frequency attached by ClinVar (database versions not stated): gnomAD exomes below 0.00001; TOPMed below 0.00001; gnomAD 0.00001; ExAC 0.00004; ESP Exome Variant Server 0.00009.
gnomAD v4.1: 3 of 1,362,718 alleles (0.00022%); highest among the groups gnomAD compares: Non-Finnish European, 0.0003%; no homozygotes.

Submission:

Ambry Genetics
Classification: Uncertain significance. Last evaluated: 2021-12-10. Review status: criteria provided, single submitter. Criteria: Ambry Variant Classification Scheme 2023. Collection method: clinical testing. Allele origin: germline.
Comment: The p.F156L variant (also known as c.468C>A), located in coding exon 5 of the PRKDC gene, results from a C to A substitution at nucleotide position 468. The phenylalanine at codon 156 is replaced by leucine, an amino acid with highly similar properties. This amino acid position is conserved. In addition, the in silico prediction for this alteration is inconclusive. Since supporting evidence is limited at this time, the clinical significance of this alteration remains unclear.

NM_006904.7(PRKDC):c.468C>A (p.Phe156Leu)

Gene: PRKDC (protein kinase, DNA-activated, catalytic subunit; minus strand). Cytogenetic location: 8q11.21.
Variant type: single nucleotide variant.
Coding change: c.468C>A on transcript NM_006904.7 (MANE Select); coding-DNA position 468, C replaced by A.
Protein change: p.Phe156Leu; replaces phenylalanine 156 with leucine.
Molecular consequence: missense variant.
Genome position (GRCh38, 1-based): chr8:47,954,378, G>T on the plus strand (C>A on the coding strand, the complement: PRKDC is on the minus strand). VCF-style: chr8-47954378-G-T. GRCh37 (hg19) VCF-style: chr8-48866938-G-T.
Other names: c.468C>A, p.Phe156Leu (NM_001081640.2); short protein forms F156L.
Identifiers: ClinVar variation 1742444 (VCV001742444.2), dbSNP rs376843292, ClinGen allele CA4742013.